The following is an entry in ClinVar:

NM_001734.5(C1S):c.1333G>T (p.Asp445Tyr)

Gene: C1S (complement C1s; plus strand). Cytogenetic location: 12p13.31.
Variant type: single nucleotide variant.
Coding change: c.1333G>T on transcript NM_001734.5 (MANE Select); coding-DNA position 1333, G replaced by T.
Protein change: p.Asp445Tyr; replaces aspartic acid 445 with tyrosine.
Molecular consequence: missense variant.
Genome position (GRCh38, 1-based): chr12:7,069,917, G>T. VCF-style: chr12-7069917-G-T. GRCh37 (hg19) VCF-style: chr12-7177221-G-T.
Other names: c.832G>T, p.Asp278Tyr (NM_001346850.2); c.1333G>T, p.Asp445Tyr (NM_201442.4); short protein forms D278Y, D445Y.
Identifiers: ClinVar variation 3630025 (VCV003630025.3).
Genomic context (GRCh38, chr12:7,069,917, plus strand): 5'-TGTGGAGTCCCCAGAGAACCCTTTGAAGAAAAACAGAGGATAATTGGAGGATCCGATGCA[G>T]ATATTAAAAACTTCCCCTGGCAAGTCTTCTTTGACAACCCATGGGCTGGTGGAGCGCTCA-3'
Protein context (NP_001725.1, residues 435-455): KQRIIGGSDA[Asp445Tyr]IKNFPWQVFF

ClinVar aggregate classification (germline): Uncertain significance. Review status: criteria provided, multiple submitters, no conflicts (2 of 4 stars). 2 submissions from 2 submitters: Uncertain significance (2). Last evaluated 2024-11-18.

Submissions (2):

Women's Health and Genetics/Laboratory Corporation of America, LabCorp
Classification: Uncertain significance. Last evaluated: 2024-11-18. Review status: criteria provided, single submitter. Criteria: LabCorp Variant Classification Summary - May 2015. Collection method: clinical testing. Allele origin: germline.
Comment: Variant summary: C1S c.1333G>T (p.Asp445Tyr) results in a non-conservative amino acid change located in the serine proteases, trypsin domain of the encoded protein sequence. Three of five in-silico tools predict a damaging effect of the variant on protein function. The variant was absent in 251462 control chromosomes. The available data on variant occurrences in the general population are insufficient to allow any conclusion about variant significance. To our knowledge, no occurrence of c.1333G>T in individuals affected with Complement component C1s deficiency and no experimental evidence demonstrating its impact on protein function have been reported. No submitters have cited clinical-significance assessments for this variant to ClinVar. Based on the evidence outlined above, the variant was classified as uncertain significance.

Labcorp Genetics (formerly Invitae), Labcorp
Classification: Uncertain significance. Last evaluated: 2024-08-23. Review status: criteria provided, single submitter. Criteria: Invitae Variant Classification Sherloc (09022015). Collection method: clinical testing. Allele origin: germline.
Comment: This sequence change replaces aspartic acid, which is acidic and polar, with tyrosine, which is neutral and polar, at codon 445 of the C1S protein (p.Asp445Tyr). This variant is not present in population databases (gnomAD no frequency). This variant has not been reported in the literature in individuals affected with C1S-related conditions. Invitae Evidence Modeling of protein sequence and biophysical properties (such as structural, functional, and spatial information, amino acid conservation, physicochemical variation, residue mobility, and thermodynamic stability) indicates that this missense variant is not expected to disrupt C1S protein function with a negative predictive value of 80%. In summary, the available evidence is currently insufficient to determine the role of this variant in disease. Therefore, it has been classified as a Variant of Uncertain Significance.